The following is an entry in ClinVar:

ClinVar aggregate classification (germline): Uncertain significance (1 of 4 stars; one submission).

Conditions:
POLD1-related polyposis and colorectal cancer syndrome (CRCS10). Also called: Colorectal cancer 10; COLORECTAL CANCER, SUSCEPTIBILITY TO, ON CHROMOSOME 19q; Colorectal cancer, susceptibility to, 10. Identifiers: Orphanet 220460, MedGen C2675481, MONDO:0012953, OMIM 612591.

Submission:

Labcorp Genetics (formerly Invitae), Labcorp
Classification: Uncertain significance for POLD1-related polyposis and colorectal cancer syndrome. Last evaluated: 2025-11-19. Review status: criteria provided, single submitter. Criteria: Invitae Variant Classification Sherloc (09022015). Collection method: clinical testing. Allele origin: germline.
Comment: This sequence change falls in intron 24 of the POLD1 gene. It does not directly change the encoded amino acid sequence of the POLD1 protein. This variant is not present in population databases (gnomAD no frequency). This variant has not been reported in the literature in individuals affected with POLD1-related conditions. ClinVar contains an entry for this variant (Variation ID: 1004432). Algorithms developed to predict the effect of sequence changes on RNA splicing suggest that this variant may disrupt the consensus splice site. In summary, the available evidence is currently insufficient to determine the role of this variant in disease. Therefore, it has been classified as a Variant of Uncertain Significance.

NM_002691.4(POLD1):c.3068-7C>G

Gene: POLD1 (DNA polymerase delta 1, catalytic subunit; plus strand). Cytogenetic location: 19q13.33.
Variant type: single nucleotide variant.
Coding change: c.3068-7C>G on transcript NM_002691.4 (MANE Select); 7 bases into the intron before coding-DNA position 3068, C replaced by G.
Molecular consequence: intron variant.
Genome position (GRCh38, 1-based): chr19:50,417,038, C>G. VCF-style: chr19-50417038-C-G. GRCh37 (hg19) VCF-style: chr19-50920295-C-G.
Other names: c.3068-7C>G (NM_001256849.1); c.3146-7C>G (NM_001308632.1).
Identifiers: ClinVar variation 1004432 (VCV001004432.8), dbSNP rs998416705, ClinGen allele CA309605553.
Genomic context (GRCh38, chr19:50,417,038, plus strand): 5'-GGGCAGGGATGGGGTGGCCCAGTTCCTGGCTGGGCCCCAGCACTTGGGCTGACCCGCCTC[C>G]CCACAGGAGCCGTGTGTGAGTTCTGCCAGCCCCGGGAGTCTGAGCTGTATCAGAAGGAGG-3'